The following is an entry in ClinVar:

NM_152703.5(SAMD9L):c.2155A>G (p.Lys719Glu)

Gene: SAMD9L (sterile alpha motif domain containing 9 like; minus strand). Cytogenetic location: 7q21.2.
Variant type: single nucleotide variant.
Coding change: c.2155A>G on transcript NM_152703.5 (MANE Select); coding-DNA position 2155, A replaced by G.
Protein change: p.Lys719Glu; replaces lysine 719 with glutamic acid.
Molecular consequence: missense variant.
Genome position (GRCh38, 1-based): chr7:93,133,817, T>C on the plus strand (A>G on the coding strand, the complement: SAMD9L is on the minus strand). VCF-style: chr7-93133817-T-C. GRCh37 (hg19) VCF-style: chr7-92763130-T-C.
Other names: c.2155A>G, p.Lys719Glu (NM_001303496.3, NM_001303497.3, NM_001303498.3 and 5 more transcripts); short protein forms K719E.
Identifiers: ClinVar variation 3949893 (VCV003949893.1).

ClinVar aggregate classification (germline): Uncertain significance (1 of 4 stars; one submission).

Conditions:
Inborn genetic diseases. Identifiers: MedGen C0950123, MeSH D030342.

Submission:

Ambry Genetics
Classification: Uncertain significance for Inborn genetic diseases. Last evaluated: 2025-05-02. Review status: criteria provided, single submitter. Criteria: Ambry Variant Classification Scheme 2023. Collection method: clinical testing. Allele origin: germline.
Comment: The p.K719E variant (also known as c.2155A>G), located in coding exon 1 of the SAMD9L gene, results from an A to G substitution at nucleotide position 2155. The lysine at codon 719 is replaced by glutamic acid, an amino acid with similar properties. This amino acid position is conserved. In addition, this alteration is predicted to be tolerated by in silico analysis. Based on the available evidence, the clinical significance of this variant remains unclear.